The following is an entry in ClinVar:

ClinVar aggregate classification (germline): Uncertain significance (1 of 4 stars; one submission).

Submission:

Women's Health and Genetics/Laboratory Corporation of America, LabCorp
Classification: Uncertain significance. Last evaluated: 2024-11-26. Review status: criteria provided, single submitter. Criteria: LabCorp Variant Classification Summary - May 2015. Collection method: clinical testing. Allele origin: germline.
Comment: Variant summary: CREBBP c.6211C>A (p.Leu2071Met) results in a conservative amino acid change located in the Creb binding domain ( IPR014744) of the encoded protein sequence. Three of five in-silico tools predict a benign effect of the variant on protein function. The variant allele was found at a frequency of 4e-06 in 249794 control chromosomes. The available data on variant occurrences in the general population are insufficient to allow any conclusion about variant significance. To our knowledge, no occurrence of c.6211C>A in individuals affected with Rubinstein-Taybi Syndrome and no experimental evidence demonstrating its impact on protein function have been reported. No submitters have cited clinical-significance assessments for this variant to ClinVar. Based on the evidence outlined above, the variant was classified as uncertain significance.

NM_004380.3(CREBBP):c.6211C>A (p.Leu2071Met)

Gene: CREBBP (CREB binding lysine acetyltransferase; minus strand). Cytogenetic location: 16p13.3.
Variant type: single nucleotide variant.
Coding change: c.6211C>A on transcript NM_004380.3 (MANE Select); coding-DNA position 6211, C replaced by A.
Protein change: p.Leu2071Met; replaces leucine 2071 with methionine.
Molecular consequence: missense variant.
Genome position (GRCh38, 1-based): chr16:3,728,836, G>T on the plus strand (C>A on the coding strand, the complement: CREBBP is on the minus strand). VCF-style: chr16-3728836-G-T. GRCh37 (hg19) VCF-style: chr16-3778837-G-T.
Other names: c.6097C>A, p.Leu2033Met (NM_001079846.1); short protein forms L2033M, L2071M.
Identifiers: ClinVar variation 3629528 (VCV003629528.2).